The following is an entry in ClinVar:

NM_153603.4(COG7):c.409G>A (p.Asp137Asn)

Gene: COG7 (component of oligomeric golgi complex 7; minus strand). Cytogenetic location: 16p12.2.
Variant type: single nucleotide variant.
Coding change: c.409G>A on transcript NM_153603.4 (MANE Select); coding-DNA position 409, G replaced by A.
Protein change: p.Asp137Asn; replaces aspartic acid 137 with asparagine.
Molecular consequence: missense variant.
Genome position (GRCh38, 1-based): chr16:23,445,074, C>T on the plus strand (G>A on the coding strand, the complement: COG7 is on the minus strand). VCF-style: chr16-23445074-C-T. GRCh37 (hg19) VCF-style: chr16-23456395-C-T.
Other names: short protein forms D137N.
Identifiers: ClinVar variation 1486787 (VCV001486787.6), dbSNP rs758676102, ClinGen allele CA7961313.

ClinVar aggregate classification (germline): Uncertain significance (1 of 4 stars; one submission).

Conditions:
COG7 congenital disorder of glycosylation (CDG2E). Also called: CONGENITAL DISORDER OF GLYCOSYLATION, TYPE IIe; CDG IIe. Identifiers: Orphanet 79333, MedGen C2931010, MONDO:0012118, OMIM 608779.

Allele frequency attached by ClinVar (database versions not stated): gnomAD 0.00001; gnomAD exomes 0.00001 and 0.00006; TOPMed 0.00001; ExAC 0.00005.

Submission:

Labcorp Genetics (formerly Invitae), Labcorp
Classification: Uncertain significance for COG7 congenital disorder of glycosylation. Last evaluated: 2021-09-15. Review status: criteria provided, single submitter. Criteria: Invitae Variant Classification Sherloc (09022015). Collection method: clinical testing. Allele origin: germline.
Comment: Algorithms developed to predict the effect of missense changes on protein structure and function are either unavailable or do not agree on the potential impact of this missense change (SIFT: "Tolerated"; PolyPhen-2: "Possibly Damaging"; Align-GVGD: "Class C0"). In summary, the available evidence is currently insufficient to determine the role of this variant in disease. Therefore, it has been classified as a Variant of Uncertain Significance. This variant has not been reported in the literature in individuals affected with COG7-related conditions. This variant is present in population databases (rs758676102, ExAC 0.03%). This sequence change replaces aspartic acid with asparagine at codon 137 of the COG7 protein (p.Asp137Asn). The aspartic acid residue is moderately conserved and there is a small physicochemical difference between aspartic acid and asparagine.